The following is an entry in ClinVar:

NM_005560.6(LAMA5):c.941C>T (p.Pro314Leu)

Gene: LAMA5 (laminin subunit alpha 5; minus strand). Cytogenetic location: 20q13.33.
Variant type: single nucleotide variant.
Coding change: c.941C>T on transcript NM_005560.6 (MANE Select); coding-DNA position 941, C replaced by T.
Protein change: p.Pro314Leu; replaces proline 314 with leucine.
Molecular consequence: missense variant.
Genome position (GRCh38, 1-based): chr20:62,351,719, G>A on the plus strand (C>T on the coding strand, the complement: LAMA5 is on the minus strand). VCF-style: chr20-62351719-G-A. GRCh37 (hg19) VCF-style: chr20-60926775-G-A.
Other names: c.941C>T (NM_005560.3); short protein forms P314L.
Identifiers: ClinVar variation 2711740 (VCV002711740.4), dbSNP rs753213110, ClinGen allele CA9944216.

ClinVar aggregate classification (germline): Uncertain significance. Review status: criteria provided, multiple submitters, no conflicts (2 of 4 stars). 2 submissions from 2 submitters: Uncertain significance (2). Last evaluated 2025-12-16.

Conditions:
Inborn genetic diseases. Identifiers: MedGen C0950123, MeSH D030342.

Allele frequency attached by ClinVar (database versions not stated): gnomAD 0.00001; TOPMed 0.00002; ExAC 0.00004.
gnomAD v4.1: 28 of 1,611,660 alleles (0.0017%); highest among the groups gnomAD compares: Admixed American, 0.042%; no homozygotes.

Submissions (2):

Ambry Genetics
Classification: Uncertain significance for Inborn genetic diseases. Last evaluated: 2025-12-16. Review status: criteria provided, single submitter. Criteria: Ambry Variant Classification Scheme 2023. Collection method: clinical testing. Allele origin: germline.

Labcorp Genetics (formerly Invitae), Labcorp
Classification: Uncertain significance. Last evaluated: 2025-08-21. Review status: criteria provided, single submitter. Criteria: Invitae Variant Classification Sherloc (09022015). Collection method: clinical testing. Allele origin: germline.
Comment: This sequence change replaces proline, which is neutral and non-polar, with leucine, which is neutral and non-polar, at codon 314 of the LAMA5 protein (p.Pro314Leu). This variant is present in population databases (rs753213110, gnomAD 0.05%). This variant has not been reported in the literature in individuals affected with LAMA5-related conditions. ClinVar contains an entry for this variant (Variation ID: 2711740). An algorithm developed to predict the effect of missense changes on protein structure and function (PolyPhen-2) suggests that this variant is likely to be disruptive. In summary, the available evidence is currently insufficient to determine the role of this variant in disease. Therefore, it has been classified as a Variant of Uncertain Significance.